The following is an entry in ClinVar:

NM_000020.3(ACVRL1):c.1252G>A (p.Val418Met)

Gene: ACVRL1 (activin A receptor like type 1; plus strand). Cytogenetic location: 12q13.13.
Variant type: single nucleotide variant.
Coding change: c.1252G>A on transcript NM_000020.3 (MANE Select); coding-DNA position 1252, G replaced by A.
Protein change: p.Val418Met; replaces valine 418 with methionine.
Molecular consequence: missense variant.
Genome position (GRCh38, 1-based): chr12:51,918,990, G>A. VCF-style: chr12-51918990-G-A. GRCh37 (hg19) VCF-style: chr12-52312774-G-A.
Other names: c.1252G>A, p.Val418Met (NM_001077401.2); short protein forms V418M.
Identifiers: ClinVar variation 1369226 (VCV001369226.9), dbSNP rs753480401, ClinGen allele CA6573117.

ClinVar aggregate classification (germline): Conflicting classifications of pathogenicity. Review status: criteria provided, conflicting classifications (1 of 4 stars). 2 submissions from 2 submitters: Likely pathogenic (1); Uncertain significance (1). Last evaluated 2024-07-26.

Conditions:
Telangiectasia, hereditary hemorrhagic, type 2 (HHT2). Also called: ACVRL1-Related Hereditary Hemorrhagic Telangiectasia; Telangiectasia, hereditary hemorrhagic, type II. Identifiers: Orphanet 774, MedGen C1838163, MONDO:0010880, OMIM 600376. Disease mechanism: loss of function.

Allele frequency attached by ClinVar (database versions not stated): gnomAD exomes below 0.00001; ExAC 0.00001.
gnomAD v4.1: 23 of 1,614,202 alleles (0.0014%); highest among the groups gnomAD compares: South Asian, 0.0022%; no homozygotes.

Submissions (2):

Labcorp Genetics (formerly Invitae), Labcorp
Classification: Likely pathogenic for Telangiectasia, hereditary hemorrhagic, type 2. Last evaluated: 2024-07-26. Review status: criteria provided, single submitter. Criteria: Invitae Variant Classification Sherloc (09022015). Collection method: clinical testing. Allele origin: germline.
Comment: This sequence change replaces valine, which is neutral and non-polar, with methionine, which is neutral and non-polar, at codon 418 of the ACVRL1 protein (p.Val418Met). This variant is present in population databases (rs753480401, gnomAD 0.0009%). This missense change has been observed in individuals with clinical features of hereditary hemorrhagic telangiectasia and/or pulmonary arterial hypertension (Invitae). ClinVar contains an entry for this variant (Variation ID: 1369226). Advanced modeling of protein sequence and biophysical properties (such as structural, functional, and spatial information, amino acid conservation, physicochemical variation, residue mobility, and thermodynamic stability) performed at Invitae indicates that this missense variant is expected to disrupt ACVRL1 protein function with a positive predictive value of 95%. In summary, the currently available evidence indicates that the variant is pathogenic, but additional data are needed to prove that conclusively. Therefore, this variant has been classified as Likely Pathogenic.

Fulgent Genetics
Classification: Uncertain significance for Telangiectasia, hereditary hemorrhagic, type 2. Last evaluated: 2024-03-29. Review status: criteria provided, single submitter. Criteria: ACMG Guidelines, 2015. Collection method: clinical testing. Allele origin: germline.